The following is an entry in ClinVar:

ClinVar aggregate classification (germline): Uncertain significance (1 of 4 stars; one submission).

Conditions:
Nephronophthisis. Also called: Juvenile Nephronophthisis. Identifiers: Orphanet 655, MedGen C0687120, MONDO:0019005, HP:0000090.

Submission:

Labcorp Genetics (formerly Invitae), Labcorp
Classification: Uncertain significance for Nephronophthisis. Last evaluated: 2022-07-14. Review status: criteria provided, single submitter. Criteria: Invitae Variant Classification Sherloc (09022015). Collection method: clinical testing. Allele origin: germline.
Comment: Algorithms developed to predict the effect of missense changes on protein structure and function (SIFT, PolyPhen-2, Align-GVGD) all suggest that this variant is likely to be tolerated. This sequence change replaces alanine, which is neutral and non-polar, with aspartic acid, which is acidic and polar, at codon 698 of the NPHP4 protein (p.Ala698Asp). This variant is not present in population databases (gnomAD no frequency). This variant has not been reported in the literature in individuals affected with NPHP4-related conditions. ClinVar contains an entry for this variant (Variation ID: 1377200). In summary, the available evidence is currently insufficient to determine the role of this variant in disease. Therefore, it has been classified as a Variant of Uncertain Significance.

NM_015102.5(NPHP4):c.2093C>A (p.Ala698Asp)

Gene: NPHP4 (nephrocystin 4; minus strand). Cytogenetic location: 1p36.31.
Variant type: single nucleotide variant.
Coding change: c.2093C>A on transcript NM_015102.5 (MANE Select); coding-DNA position 2093, C replaced by A.
Protein change: p.Ala698Asp; replaces alanine 698 with aspartic acid.
Molecular consequence: missense variant. On other transcripts: non-coding transcript variant (1).
Genome position (GRCh38, 1-based): chr1:5,904,667, G>T on the plus strand (C>A on the coding strand, the complement: NPHP4 is on the minus strand). VCF-style: chr1-5904667-G-T. GRCh37 (hg19) VCF-style: chr1-5964727-G-T.
Other names: c.554C>A, p.Ala185Asp (NM_001291593.2); c.557C>A, p.Ala186Asp (NM_001291594.2); short protein forms A698D, A185D, A186D.
Identifiers: ClinVar variation 1377200 (VCV001377200.6), dbSNP rs745698836, ClinGen allele CA338053181.